The following is an entry in ClinVar:

NM_001415.4(EIF2S3):c.953T>G (p.Ile318Ser)

Gene: EIF2S3 (eukaryotic translation initiation factor 2 subunit gamma; plus strand). Cytogenetic location: Xp22.11.
Variant type: single nucleotide variant.
Coding change: c.953T>G on transcript NM_001415.4 (MANE Select); coding-DNA position 953, T replaced by G.
Protein change: p.Ile318Ser; replaces isoleucine 318 with serine.
Molecular consequence: missense variant.
Genome position (GRCh38, 1-based): chrX:24,068,049, T>G. VCF-style: chrX-24068049-T-G. GRCh37 (hg19) VCF-style: chrX-24086166-T-G.
Other names: short protein forms I318S.
Identifiers: ClinVar variation 3367645 (VCV003367645.1).

ClinVar aggregate classification (germline): Uncertain significance (1 of 4 stars; one submission).

Submission:

GeneDx
Classification: Uncertain significance. Last evaluated: 2024-01-08. Review status: criteria provided, single submitter. Criteria: GeneDx Variant Classification Process June 2021. Collection method: clinical testing. Allele origin: germline. Affected: yes.
Comment: Not observed at significant frequency in large population cohorts (gnomAD); In silico analysis supports that this missense variant has a deleterious effect on protein structure/function; Has not been previously published as pathogenic or benign to our knowledge